The following is an entry in ClinVar:

ClinVar aggregate classification (germline): Uncertain significance (1 of 4 stars; one submission).

Submission:

Labcorp Genetics (formerly Invitae), Labcorp
Classification: Uncertain significance. Last evaluated: 2025-12-19. Review status: criteria provided, single submitter. Criteria: Invitae Variant Classification Sherloc (09022015). Collection method: clinical testing. Allele origin: germline.
Comment: This sequence change replaces lysine, which is basic and polar, with glutamic acid, which is acidic and polar, at codon 338 of the PLTP protein (p.Lys338Glu). This variant is not present in population databases (gnomAD no frequency). This variant has not been reported in the literature in individuals affected with PLTP-related conditions. An algorithm developed to predict the effect of missense changes on protein structure and function (PolyPhen-2) suggests that this variant is likely to be disruptive. In summary, the available evidence is currently insufficient to determine the role of this variant in disease. Therefore, it has been classified as a Variant of Uncertain Significance.

NM_006227.4(PLTP):c.1012A>G (p.Lys338Glu)

Gene: PLTP (phospholipid transfer protein; minus strand). Cytogenetic location: 20q13.12.
Variant type: single nucleotide variant.
Coding change: c.1012A>G on transcript NM_006227.4 (MANE Select); coding-DNA position 1012, A replaced by G.
Protein change: p.Lys338Glu; replaces lysine 338 with glutamic acid.
Molecular consequence: missense variant.
Genome position (GRCh38, 1-based): chr20:45,902,535, T>C on the plus strand (A>G on the coding strand, the complement: PLTP is on the minus strand). VCF-style: chr20-45902535-T-C. GRCh37 (hg19) VCF-style: chr20-44531174-T-C.
Other names: c.727A>G, p.Lys243Glu (NM_001242920.2); c.748A>G, p.Lys250Glu (NM_001242921.1); c.856A>G, p.Lys286Glu (NM_182676.3); short protein forms K243E, K250E, K286E, K338E.
Identifiers: ClinVar variation 4809727 (VCV004809727.1).